The following is an entry in ClinVar:

ClinVar aggregate classification (germline): Uncertain significance (1 of 4 stars; one submission).

Conditions:
Cardiovascular phenotype. Identifiers: MedGen CN230736.

Allele frequency attached by ClinVar (database versions not stated): ExAC 0.00004; gnomAD exomes 0.00001; TOPMed 0.00003.

Submission:

Ambry Genetics
Classification: Uncertain significance for Cardiovascular phenotype. Last evaluated: 2025-03-17. Review status: criteria provided, single submitter. Criteria: Ambry Variant Classification Scheme 2023. Collection method: clinical testing. Allele origin: germline.
Comment: The p.P2396R variant (also known as c.7187C>G), located in coding exon 20 of the TNXB gene, results from a C to G substitution at nucleotide position 7187. The proline at codon 2396 is replaced by arginine, an amino acid with dissimilar properties. This amino acid position is well conserved in available vertebrate species. In addition, this alteration is predicted to be tolerated by in silico analysis. Based on the available evidence, the clinical significance of this variant remains unclear.

NM_001365276.2(TNXB):c.7187C>G (p.Pro2396Arg)

Gene: TNXB (tenascin XB; minus strand). Cytogenetic location: 6p21.33.
Variant type: single nucleotide variant.
Coding change: c.7187C>G on transcript NM_001365276.2 (MANE Select); coding-DNA position 7187, C replaced by G.
Protein change: p.Pro2396Arg; replaces proline 2396 with arginine.
Molecular consequence: missense variant.
Genome position (GRCh38, 1-based): chr6:32,061,702, G>C on the plus strand (C>G on the coding strand, the complement: TNXB is on the minus strand). VCF-style: chr6-32061702-G-C. GRCh37 (hg19) VCF-style: chr6-32029479-G-C.
Other names: c.7187C>G, p.Pro2396Arg (NM_019105.8); short protein forms P2396R.
Identifiers: ClinVar variation 2464256 (VCV002464256.3), dbSNP rs746438333, ClinGen allele CA3734220.
Genomic context (GRCh38, chr6:32,061,702, plus strand): 5'-TCCCCCAGGAGCGGCTCCTCAGGGGGCTCCGGGGCCTCCATGCTGGGTTCTGTGGGGCTG[G>C]GGGTCTCTTCCTCTGCAGCTGAGAAAAAGGGACACAGAGAGGATGGCAGGGTCCCTGGGG-3'
Protein context (NP_001352205.1, residues 2386-2406): IGVTAAEEET[Pro2396Arg]SPTEPSMEAP